The following is an entry in ClinVar:

ClinVar aggregate classification (germline): Likely benign. Review status: criteria provided, multiple submitters, no conflicts (2 of 4 stars). 3 submissions from 3 submitters: Likely benign (3). Last evaluated 2025-03-01.

Conditions:
Dyskeratosis congenita, autosomal dominant 6 (DKCA6). Identifiers: Orphanet 3322, MedGen C4225284, MONDO:0014690, OMIM 616553.
Inborn genetic diseases. Identifiers: MedGen C0950123, MeSH D030342.

Allele frequency attached by ClinVar (database versions not stated): gnomAD exomes below 0.00001; ExAC 0.00002.
gnomAD v4.1: 6 of 1,606,366 alleles (0.00037%); highest among the groups gnomAD compares: Non-Finnish European, 0.00051%; no homozygotes.

Submissions (3):

CeGaT Center for Human Genetics Tuebingen
Classification: Likely benign. Last evaluated: 2025-03-01. Review status: criteria provided, single submitter. Criteria: CeGaT Center For Human Genetics Tuebingen Variant Classification Criteria Version 2. Collection method: clinical testing. Allele origin: germline. Affected: yes. Observed: 1 variant allele.
Comment: ACD: BP4, BP7

Labcorp Genetics (formerly Invitae), Labcorp
Classification: Likely benign for Dyskeratosis congenita, autosomal dominant 6. Last evaluated: 2022-08-10. Review status: criteria provided, single submitter. Criteria: Invitae Variant Classification Sherloc (09022015). Collection method: clinical testing. Allele origin: germline.

Ambry Genetics
Classification: Likely benign for Inborn genetic diseases. Last evaluated: 2019-10-12. Review status: criteria provided, single submitter. Criteria: Ambry Variant Classification Scheme 2023. Collection method: clinical testing. Allele origin: germline.

NM_001082486.2(ACD):c.1035T>C (p.Thr345=)

Gene: ACD (ACD shelterin complex subunit and telomerase recruitment factor; minus strand). Cytogenetic location: 16q22.1.
Variant type: single nucleotide variant.
Coding change: c.1035T>C on transcript NM_001082486.2 (MANE Select); coding-DNA position 1035, T replaced by C.
Protein change: p.Thr345=; no amino-acid change (threonine 345 retained).
Molecular consequence: synonymous variant.
Genome position (GRCh38, 1-based): chr16:67,658,157, A>G on the plus strand (T>C on the coding strand, the complement: ACD is on the minus strand). VCF-style: chr16-67658157-A-G. GRCh37 (hg19) VCF-style: chr16-67692060-A-G.
Other names: c.948T>C, p.Thr316= (NM_001410884.1); c.1026T>C, p.Thr342= (NM_022914.3).
Identifiers: ClinVar variation 1769169 (VCV001769169.14), dbSNP rs770464499, ClinGen allele CA8114457.
Genomic context (GRCh38, chr16:67,658,157, plus strand): 5'-GGGCCTGGTCACAAGAGCCTGGTGTGGACTGGGGACATGGCTACGGGGTGAGAGACTGGG[A>G]GTGCAGCTCTGGAGTGGGGAGCTGGGGGTACGGCTGGCGTGTGGGGACCTGGGGGTCAGG-3'
Protein context (NP_001075955.2, residues 335-355): RTPSSPLQSC[Thr345=]PSLSPRSHVP